The following is an entry in ClinVar:

ClinVar aggregate classification (germline): Uncertain significance (1 of 4 stars; one submission).

Conditions:
Ehlers-Danlos syndrome, classic type, 1 (EDSCL1). Also called: EHLERS-DANLOS SYNDROME, GRAVIS TYPE; EHLERS-DANLOS SYNDROME, SEVERE CLASSIC TYPE; Ehlers-Danlos syndrome, type 1; EDS I; Ehlers-Danlos Syndrome, Classic Type, COL5A1-Related. Identifiers: MedGen C0268335, MONDO:0019567, OMIM 130000.
Osteogenesis imperfecta type I (OI1). Also called: OI, TYPE I; OSTEOGENESIS IMPERFECTA TARDA; OSTEOGENESIS IMPERFECTA WITH BLUE SCLERAE; Osteogenesis imperfecta type 1; Lobstein's Disease; Lobstein disease. Identifiers: Orphanet 216796, Orphanet 666, MedGen C0023931, MONDO:0008146, OMIM 166200. Disease mechanism: loss of function.

Submission:

Labcorp Genetics (formerly Invitae), Labcorp
Classification: Uncertain significance for Osteogenesis imperfecta type I; Ehlers-Danlos syndrome, classic type, 1. Last evaluated: 2022-02-21. Review status: criteria provided, single submitter. Criteria: Invitae Variant Classification Sherloc (09022015). Collection method: clinical testing. Allele origin: germline.
Comment: This variant is not present in population databases (gnomAD no frequency). In summary, the available evidence is currently insufficient to determine the role of this variant in disease. Therefore, it has been classified as a Variant of Uncertain Significance. Advanced modeling of protein sequence and biophysical properties (such as structural, functional, and spatial information, amino acid conservation, physicochemical variation, residue mobility, and thermodynamic stability) performed at Invitae indicates that this missense variant is not expected to disrupt COL1A2 protein function. This variant has not been reported in the literature in individuals affected with COL1A2-related conditions. This sequence change replaces alanine, which is neutral and non-polar, with serine, which is neutral and polar, at codon 920 of the COL1A2 protein (p.Ala920Ser).

NM_000089.4(COL1A2):c.2758G>T (p.Ala920Ser)

Gene: COL1A2 (collagen type I alpha 2 chain; plus strand). Cytogenetic location: 7q21.3.
Variant type: single nucleotide variant.
Coding change: c.2758G>T on transcript NM_000089.4 (MANE Select); coding-DNA position 2758, G replaced by T.
Protein change: p.Ala920Ser; replaces alanine 920 with serine.
Molecular consequence: missense variant.
Genome position (GRCh38, 1-based): chr7:94,425,201, G>T. VCF-style: chr7-94425201-G-T. GRCh37 (hg19) VCF-style: chr7-94054513-G-T.
Other names: short protein forms A920S.
Identifiers: ClinVar variation 2100806 (VCV002100806.4), dbSNP rs2484733461, ClinGen allele CA368224550.